The following is an entry in ClinVar:

NM_001690.4(ATP6V1A):c.56G>T (p.Gly19Val)

Gene: ATP6V1A (ATPase H+ transporting V1 subunit A; plus strand). Cytogenetic location: 3q13.31.
Variant type: single nucleotide variant.
Coding change: c.56G>T on transcript NM_001690.4 (MANE Select); coding-DNA position 56, G replaced by T.
Protein change: p.Gly19Val; replaces glycine 19 with valine.
Molecular consequence: missense variant.
Genome position (GRCh38, 1-based): chr3:113,778,809, G>T. VCF-style: chr3-113778809-G-T. GRCh37 (hg19) VCF-style: chr3-113497656-G-T.
Other names: short protein forms G19V.
Identifiers: ClinVar variation 3656271 (VCV003656271.2).

ClinVar aggregate classification (germline): Uncertain significance (1 of 4 stars; one submission).

Submission:

Labcorp Genetics (formerly Invitae), Labcorp
Classification: Uncertain significance. Last evaluated: 2024-06-11. Review status: criteria provided, single submitter. Criteria: Invitae Variant Classification Sherloc (09022015). Collection method: clinical testing. Allele origin: germline.
Comment: This sequence change replaces glycine, which is neutral and non-polar, with valine, which is neutral and non-polar, at codon 19 of the ATP6V1A protein (p.Gly19Val). This variant is not present in population databases (gnomAD no frequency). This variant has not been reported in the literature in individuals affected with ATP6V1A-related conditions. Advanced modeling of protein sequence and biophysical properties (such as structural, functional, and spatial information, amino acid conservation, physicochemical variation, residue mobility, and thermodynamic stability) performed at Invitae indicates that this missense variant is expected to disrupt ATP6V1A protein function with a positive predictive value of 80%. In summary, the available evidence is currently insufficient to determine the role of this variant in disease. Therefore, it has been classified as a Variant of Uncertain Significance.